The following is an entry in ClinVar:

NM_019066.5(MAGEL2):c.458C>T (p.Pro153Leu)

Gene: MAGEL2 (MAGE family member L2; minus strand). Cytogenetic location: 15q11.2.
Variant type: single nucleotide variant.
Coding change: c.458C>T on transcript NM_019066.5 (MANE Select); coding-DNA position 458, C replaced by T.
Protein change: p.Pro153Leu; replaces proline 153 with leucine.
Molecular consequence: missense variant.
Genome position (GRCh38, 1-based): chr15:23,647,285, G>A on the plus strand (C>T on the coding strand, the complement: MAGEL2 is on the minus strand). VCF-style: chr15-23647285-G-A. GRCh37 (hg19) VCF-style: chr15-23892432-G-A.
Other names: short protein forms P153L.
Identifiers: ClinVar variation 3344950 (VCV003344950.1).

ClinVar aggregate classification (germline): Uncertain significance (0 of 4 stars; one submission).

Conditions:
MAGEL2-related disorder. Also called: MAGEL2-related condition.

gnomAD v4.1: 13 of 1,535,418 alleles (0.00085%); highest among the groups gnomAD compares: Non-Finnish European, 0.001%; no homozygotes.

Submission:

PreventionGenetics, part of Exact Sciences
Classification: Uncertain significance for MAGEL2-related condition. Last evaluated: 2024-05-10. Review status: no assertion criteria provided. Collection method: clinical testing. Allele origin: germline.
Comment: The MAGEL2 c.458C>T variant is predicted to result in the amino acid substitution p.Pro153Leu. To our knowledge, this variant has not been reported in the literature or in a large population database, indicating this variant is rare. At this time, the clinical significance of this variant is uncertain due to the absence of conclusive functional and genetic evidence.